The following is an entry in ClinVar:

ClinVar aggregate classification (germline): Uncertain significance (1 of 4 stars; one submission).

gnomAD v4.1: 4 of 1,611,936 alleles (0.00025%); highest among the groups gnomAD compares: East Asian, 0.0089%; no homozygotes.

Submission:

Labcorp Genetics (formerly Invitae), Labcorp
Classification: Uncertain significance. Last evaluated: 2025-07-02. Review status: criteria provided, single submitter. Criteria: Invitae Variant Classification Sherloc (09022015). Collection method: clinical testing. Allele origin: germline.
Comment: This sequence change replaces glycine, which is neutral and non-polar, with glutamic acid, which is acidic and polar, at codon 421 of the TNNI3K protein (p.Gly421Glu). This variant is not present in population databases (gnomAD no frequency). This variant has not been reported in the literature in individuals affected with TNNI3K-related conditions. An algorithm developed to predict the effect of missense changes on protein structure and function (PolyPhen-2) suggests that this variant is likely to be disruptive. In summary, the available evidence is currently insufficient to determine the role of this variant in disease. Therefore, it has been classified as a Variant of Uncertain Significance.

NM_015978.3(TNNI3K):c.1262G>A (p.Gly421Glu)

Genes: TNNI3K (TNNI3 interacting kinase; plus strand), FPGT-TNNI3K (FPGT-TNNI3K readthrough; plus strand). Cytogenetic location: 1p31.1.
Variant type: single nucleotide variant.
Coding change: c.1262G>A on transcript NM_015978.3 (MANE Select); coding-DNA position 1262, G replaced by A.
Protein change: p.Gly421Glu; replaces glycine 421 with glutamic acid.
Molecular consequence: missense variant.
Genome position (GRCh38, 1-based): chr1:74,367,340, G>A. VCF-style: chr1-74367340-G-A. GRCh37 (hg19) VCF-style: chr1-74833024-G-A.
Other names: c.1565G>A, p.Gly522Glu (NM_001112808.3, NM_001199327.2); short protein forms G421E, G522E.
Identifiers: ClinVar variation 4798581 (VCV004798581.1).